The following is an entry in ClinVar:

NM_000283.4(PDE6B):c.863_864del (p.Asp288fs)

Genes: PDE6B (phosphodiesterase 6B; plus strand), PDE6B-AS1 (PDE6B antisense RNA 1; minus strand). Cytogenetic location: 4p16.3.
Variant type: Deletion.
Coding change: c.863_864del on transcript NM_000283.4 (MANE Select); coding-DNA positions 863 to 864, 2 bases deleted (AC; older notation c.863_864delAC).
Protein change: p.Asp288fs; shifts the reading frame from aspartic acid 288.
Molecular consequence: frameshift variant. On other transcripts: 5 prime UTR variant (1).
Genome position (GRCh38, 1-based): chr4:654,090-654,091, AC deleted. VCF-style (leftmost placement, unchanged base first): chr4-654089-GAC-G. GRCh37 (hg19) VCF-style: chr4-647878-GAC-G.
Other names: c.863_864del, p.Asp288fs (NM_001145291.2); c.26_27del, p.Asp9fs (NM_001145292.2, NM_001350154.3, NM_001379246.1 and 1 more transcripts); c.-178_-177del (NM_001350155.3); short protein forms D288fs, D9fs.
Identifiers: ClinVar variation 1333030 (VCV001333030.24), dbSNP rs1412122281, ClinGen allele CA549263344.

ClinVar aggregate classification (germline): Pathogenic. Review status: criteria provided, multiple submitters, no conflicts (2 of 4 stars). 2 submissions from 2 submitters: Pathogenic (2). Last evaluated 2023-11-01.

Conditions:
Retinitis pigmentosa (RP). Identifiers: Orphanet 791, MedGen C0035334, MeSH D012174, MONDO:0019200, OMIM 268000. Inheritance: Autosomal dominant, autosomal recessive and X linked inheritance.

Allele frequency attached by ClinVar (database versions not stated): gnomAD exomes below 0.00001.

Submissions (2):

CeGaT Center for Human Genetics Tuebingen
Classification: Pathogenic. Last evaluated: 2023-11-01. Review status: criteria provided, single submitter. Criteria: CeGaT Center For Human Genetics Tuebingen Variant Classification Criteria Version 2. Collection method: clinical testing. Allele origin: germline. Affected: yes. Observed: 1 variant allele.
Comment: PDE6B: PVS1, PM2

Institute of Medical Genetics and Applied Genomics, University Hospital Tübingen
Classification: Pathogenic for Retinitis pigmentosa. Last evaluated: 2022-01-12. Review status: criteria provided, single submitter. Criteria: ACMG Guidelines, 2015. Collection method: clinical testing. Allele origin: germline. Inheritance: Autosomal recessive inheritance.